The following is an entry in ClinVar:

NM_001083961.2(WDR62):c.2171_2172insTGGT (p.Tyr725fs)

Gene: WDR62 (WD repeat domain 62; plus strand). Cytogenetic location: 19q13.12.
Variant type: Insertion.
Coding change: c.2171_2172insTGGT on transcript NM_001083961.2 (MANE Select); coding-DNA positions 2171 to 2172, TGGT inserted.
Protein change: p.Tyr725fs; shifts the reading frame from tyrosine 725.
Molecular consequence: frameshift variant.
Genome position: GRCh38 VCF-style: chr19-36091426-C-CTGGT. GRCh37 (hg19) VCF-style: chr19-36582328-C-CTGGT.
Other names: c.2156_2157insTGGT, p.Tyr720fs (NM_001411145.1); c.2171_2172insTGGT, p.Tyr725fs (NM_001411146.1, NM_173636.5); c.1820_1821insTGGT, p.Tyr608fs (NM_001411147.1); short protein forms Y720fs, Y608fs, Y725fs.
Identifiers: ClinVar variation 4294484 (VCV004294484.1).

ClinVar aggregate classification (germline): Likely pathogenic (1 of 4 stars; one submission).

Conditions:
Microcephaly 2, primary, autosomal recessive, with or without cortical malformations. Also called: WDR62 Primary Microcephaly; MICROCEPHALY 2, PRIMARY, AUTOSOMAL RECESSIVE, WITH CORTICAL MALFORMATIONS. Identifiers: Orphanet 2512, MedGen C1858535, MONDO:0011435, OMIM 604317.

Submission:

Molecular Genetics Department, Kulakov National Medical Research Center for Obstetrics, Gynecology and Perinatology
Classification: Likely pathogenic for Microcephaly 2, primary, autosomal recessive, with or without cortical malformations. Review status: criteria provided, single submitter. Criteria: ACMG Guidelines, 2015. Collection method: clinical testing. Allele origin: germline. Affected: yes. Observed: 1 variant allele.
Comment: A previously undescribed heterozygous nucleotide variant creates a frameshift in the WDR62 gene. Homozygous and compound heterozygous variants are reported in patients with microcephaly 2, primary, autosomal recessive, with or without cortical malformations, 604317. The variant is not present in population database (gnomAD no frequency). The variant was found with the variant WDR62 NM_001083961.2:c.3462+1G>A (trans was not confirmed). In summary, the currently available evidence indicates that the variant is pathogenic, but additional data are needed to prove that conclusively. Therefore, this variant has been classified as likely pathogenic.